The following is an entry in ClinVar:

ClinVar aggregate classification (germline): Uncertain significance (1 of 4 stars; one submission).

Conditions:
Intellectual disability, X-linked, with or without seizures, ARX-related. Also called: MENTAL RETARDATION, X-LINKED 29; MENTAL RETARDATION, X-LINKED 32; MENTAL RETARDATION, X-LINKED 33; MENTAL RETARDATION, X-LINKED 38; MENTAL RETARDATION, X-LINKED 43; MENTAL RETARDATION, X-LINKED 76. Identifiers: Orphanet 777, MedGen C0796244, MONDO:0010317, OMIM 300419.
Developmental and epileptic encephalopathy, 1 (DEE1). Also called: Epileptic encephalopathy, early infantile, 1; X-linked infantile spasms; West's syndrome; Tonic spasms with clustering, arrest of psychomotor development and hypsarrhythmia on EEG; X-Linked Infantile Spasm Syndrome; OHTAHARA SYNDROME, X-LINKED. Identifiers: MedGen C3463992, MONDO:0010632, OMIM 308350. Disease mechanism: loss of function.

Submission:

Labcorp Genetics (formerly Invitae), Labcorp
Classification: Uncertain significance for Developmental and epileptic encephalopathy, 1; Intellectual disability, X-linked, with or without seizures, ARX-related. Last evaluated: 2022-03-23. Review status: criteria provided, single submitter. Criteria: Invitae Variant Classification Sherloc (09022015). Collection method: clinical testing. Allele origin: germline.
Comment: This sequence change replaces alanine, which is neutral and non-polar, with threonine, which is neutral and polar, at codon 458 of the ARX protein (p.Ala458Thr). In summary, the available evidence is currently insufficient to determine the role of this variant in disease. Therefore, it has been classified as a Variant of Uncertain Significance. Advanced modeling of protein sequence and biophysical properties (such as structural, functional, and spatial information, amino acid conservation, physicochemical variation, residue mobility, and thermodynamic stability) performed at Invitae indicates that this missense variant is not expected to disrupt ARX protein function. This variant has not been reported in the literature in individuals affected with ARX-related conditions. This variant is not present in population databases (gnomAD no frequency).

NM_139058.3(ARX):c.1372G>A (p.Ala458Thr)

Gene: ARX (aristaless related homeobox; minus strand). Cytogenetic location: Xp21.3.
Variant type: single nucleotide variant.
Coding change: c.1372G>A on transcript NM_139058.3 (MANE Select); coding-DNA position 1372, G replaced by A.
Protein change: p.Ala458Thr; replaces alanine 458 with threonine.
Molecular consequence: missense variant.
Genome position (GRCh38, 1-based): chrX:25,007,187, C>T on the plus strand (G>A on the coding strand, the complement: ARX is on the minus strand). VCF-style: chrX-25007187-C-T. GRCh37 (hg19) VCF-style: chrX-25025304-C-T.
Other names: short protein forms A458T.
Identifiers: ClinVar variation 1979911 (VCV001979911.4), dbSNP rs755109924, ClinGen allele CA412611153.